The following is an entry in ClinVar:

NM_032409.3(PINK1):c.1099A>C (p.Asn367His)

Genes: PINK1 (PTEN induced kinase 1; plus strand), PINK1-AS (PINK1 antisense RNA; minus strand). Cytogenetic location: 1p36.12.
Variant type: single nucleotide variant.
Coding change: c.1099A>C on transcript NM_032409.3 (MANE Select); coding-DNA position 1099, A replaced by C.
Protein change: p.Asn367His; replaces asparagine 367 with histidine.
Molecular consequence: missense variant.
Genome position (GRCh38, 1-based): chr1:20,645,699, A>C. VCF-style: chr1-20645699-A-C. GRCh37 (hg19) VCF-style: chr1-20972192-A-C.
Other names: short protein forms N367H.
Identifiers: ClinVar variation 1962723 (VCV001962723.5), dbSNP rs2053171495, ClinGen allele CA338834194.

ClinVar aggregate classification (germline): Uncertain significance (1 of 4 stars; one submission).

Conditions:
Autosomal recessive early-onset Parkinson disease 6 (PARK6). Also called: PARKINSON DISEASE 6, MODIFIER OF; PARKINSON DISEASE 6, EARLY-ONSET; PINK1 Type of Young-Onset Parkinson Disease; PINK1-Related Parkinson Disease. Identifiers: Orphanet 2828, MedGen C1853833, MONDO:0011613, OMIM 605909.

Submission:

Labcorp Genetics (formerly Invitae), Labcorp
Classification: Uncertain significance for Autosomal recessive early-onset Parkinson disease 6. Last evaluated: 2022-02-27. Review status: criteria provided, single submitter. Criteria: Invitae Variant Classification Sherloc (09022015). Collection method: clinical testing. Allele origin: germline.
Comment: This variant has not been reported in the literature in individuals affected with PINK1-related conditions. This variant is not present in population databases (gnomAD no frequency). This sequence change replaces asparagine, which is neutral and polar, with histidine, which is basic and polar, at codon 367 of the PINK1 protein (p.Asn367His). Algorithms developed to predict the effect of missense changes on protein structure and function (SIFT, PolyPhen-2, Align-GVGD) all suggest that this variant is likely to be disruptive. In summary, the available evidence is currently insufficient to determine the role of this variant in disease. Therefore, it has been classified as a Variant of Uncertain Significance.